The following is an entry in ClinVar:

NM_000083.3(CLCN1):c.2376T>A (p.Asp792Glu)

Gene: CLCN1 (chloride voltage-gated channel 1; plus strand). Cytogenetic location: 7q34.
Variant type: single nucleotide variant.
Coding change: c.2376T>A on transcript NM_000083.3 (MANE Select); coding-DNA position 2376, T replaced by A.
Protein change: p.Asp792Glu; replaces aspartic acid 792 with glutamic acid.
Molecular consequence: missense variant. On other transcripts: non-coding transcript variant (1).
Genome position (GRCh38, 1-based): chr7:143,346,922, T>A. VCF-style: chr7-143346922-T-A. GRCh37 (hg19) VCF-style: chr7-143044015-T-A.
Other names: short protein forms D792E.
Identifiers: ClinVar variation 1007520 (VCV001007520.6), dbSNP rs1803265479, ClinGen allele CA369652386.

ClinVar aggregate classification (germline): Uncertain significance (1 of 4 stars; one submission).

Conditions:
Congenital myotonia, autosomal dominant form (THD). Also called: THOMSEN DISEASE; Myotonia congenita autosomal dominant. Identifiers: Orphanet 614, MedGen C2936781, MONDO:0008055, OMIM 160800.
Congenital myotonia, autosomal recessive form. Also called: BECKER DISEASE; Becker Generalized Myotonia; myotonia congenita, autosomal recessive. Identifiers: Orphanet 614, MedGen C0751360, MONDO:0009715, OMIM 255700.

Allele frequency attached by ClinVar (database versions not stated): gnomAD exomes below 0.00001.
gnomAD v4.1: 1 of 1,613,618 alleles (0.000062%); highest among the groups gnomAD compares: Non-Finnish European, 0.000085%; no homozygotes.

Submission:

Labcorp Genetics (formerly Invitae), Labcorp
Classification: Uncertain significance for Congenital myotonia, autosomal recessive form; Congenital myotonia, autosomal dominant form. Last evaluated: 2021-09-01. Review status: criteria provided, single submitter. Criteria: Invitae Variant Classification Sherloc (09022015). Collection method: clinical testing. Allele origin: germline.
Comment: This sequence change replaces aspartic acid with glutamic acid at codon 792 of the CLCN1 protein (p.Asp792Glu). The aspartic acid residue is moderately conserved and there is a small physicochemical difference between aspartic acid and glutamic acid. This variant is not present in population databases (ExAC no frequency). This variant has not been reported in the literature in individuals affected with CLCN1-related conditions. Advanced modeling of protein sequence and biophysical properties (such as structural, functional, and spatial information, amino acid conservation, physicochemical variation, residue mobility, and thermodynamic stability) performed at Invitae indicates that this missense variant is not expected to disrupt CLCN1 protein function. In summary, the available evidence is currently insufficient to determine the role of this variant in disease. Therefore, it has been classified as a Variant of Uncertain Significance.